The following is an entry in ClinVar:

NM_003265.3(TLR3):c.2669G>A (p.Arg890His)

Gene: TLR3 (toll like receptor 3; plus strand). Cytogenetic location: 4q35.1.
Variant type: single nucleotide variant.
Coding change: c.2669G>A on transcript NM_003265.3 (MANE Select); coding-DNA position 2669, G replaced by A.
Protein change: p.Arg890His; replaces arginine 890 with histidine.
Molecular consequence: missense variant.
Genome position (GRCh38, 1-based): chr4:186,084,827, G>A. VCF-style: chr4-186084827-G-A. GRCh37 (hg19) VCF-style: chr4-187005981-G-A.
Other names: short protein forms R890H.
Identifiers: ClinVar variation 2857280 (VCV002857280.3), dbSNP rs757231763, ClinGen allele CA3161626.

ClinVar aggregate classification (germline): Uncertain significance (1 of 4 stars; one submission).

Conditions:
Encephalopathy, acute, infection-induced (herpes-specific), susceptibility to, 1. Also called: Herpes simplex encephalitis, susceptibility to, 1. Identifiers: Orphanet 1930, MedGen C2750180, MONDO:0024563, OMIM 610551.

Allele frequency attached by ClinVar (database versions not stated): ExAC 0.00001; gnomAD exomes 0.00001; TOPMed 0.00002; gnomAD 0.00004.
gnomAD v4.1: 20 of 1,613,802 alleles (0.0012%); highest among the groups gnomAD compares: South Asian, 0.0066%; no homozygotes.

Submission:

Labcorp Genetics (formerly Invitae), Labcorp
Classification: Uncertain significance for Encephalopathy, acute, infection-induced (herpes-specific), susceptibility to, 1. Last evaluated: 2024-10-29. Review status: criteria provided, single submitter. Criteria: Invitae Variant Classification Sherloc (09022015). Collection method: clinical testing. Allele origin: germline.
Comment: This sequence change replaces arginine, which is basic and polar, with histidine, which is basic and polar, at codon 890 of the TLR3 protein (p.Arg890His). This variant is present in population databases (rs757231763, gnomAD 0.006%). This variant has not been reported in the literature in individuals affected with TLR3-related conditions. An algorithm developed to predict the effect of missense changes on protein structure and function outputs the following: PolyPhen-2: "Benign". The histidine amino acid residue is found in multiple mammalian species, which suggests that this missense change does not adversely affect protein function. In summary, the available evidence is currently insufficient to determine the role of this variant in disease. Therefore, it has been classified as a Variant of Uncertain Significance.